The following is an entry in ClinVar:

ClinVar aggregate classification (germline): Conflicting classifications of pathogenicity. Review status: criteria provided, conflicting classifications (1 of 4 stars). 3 submissions from 3 submitters: Uncertain significance (1); Likely benign (1). 1 of the submissions does not count toward it. Last evaluated 2025-02-20.

Conditions:
RAI1-related disorder. Also called: RAI1-related condition.

Allele frequency attached by ClinVar (database versions not stated): ExAC 0.00003; gnomAD 0.00006; TOPMed 0.00006.
gnomAD v4.1: 71 of 1,612,730 alleles (0.0044%); highest among the groups gnomAD compares: African/African-American, 0.0067%; no homozygotes.

Submissions (3):

Labcorp Genetics (formerly Invitae), Labcorp
Classification: Likely benign. Last evaluated: 2025-02-20. Review status: criteria provided, single submitter. Criteria: Invitae Variant Classification Sherloc (09022015). Collection method: clinical testing. Allele origin: germline.

Eurofins Ntd Llc (ga)
Classification: Uncertain significance. Last evaluated: 2014-04-07. Review status: criteria provided, single submitter. Criteria: EGL Classification Definitions 2015. Collection method: clinical testing. Allele origin: germline. Observed: 1 variant allele, 1 heterozygote.

PreventionGenetics, part of Exact Sciences
Classification: Likely benign for RAI1-related condition. Last evaluated: 2022-07-05. Review status: no assertion criteria provided. Collection method: clinical testing. Allele origin: germline. Not counted in ClinVar's aggregate classification.
Comment: This variant is classified as likely benign based on ACMG/AMP sequence variant interpretation guidelines (Richards et al. 2015 PMID: 25741868, with internal and published modifications).

NM_030665.4(RAI1):c.1488G>A (p.Pro496=)

Gene: RAI1 (retinoic acid induced 1; plus strand). Cytogenetic location: 17p11.2.
Variant type: single nucleotide variant.
Coding change: c.1488G>A on transcript NM_030665.4 (MANE Select); coding-DNA position 1488, G replaced by A.
Protein change: p.Pro496=; no amino-acid change (proline 496 retained).
Molecular consequence: synonymous variant.
Genome position (GRCh38, 1-based): chr17:17,794,436, G>A. VCF-style: chr17-17794436-G-A. GRCh37 (hg19) VCF-style: chr17-17697750-G-A.
Other names: c.1488G>A (NM_030665.3).
Identifiers: ClinVar variation 167557 (VCV000167557.14), dbSNP rs727504116, ClinGen allele CA234754.